The following is an entry in ClinVar:

ClinVar aggregate classification (germline): Pathogenic (1 of 4 stars; one submission).

Submission:

ARUP Laboratories, Molecular Genetics and Genomics, ARUP Laboratories
Classification: Pathogenic. Last evaluated: 2023-10-26. Review status: criteria provided, single submitter. Criteria: ARUP Molecular Germline Variant Investigation Process 2024. Collection method: clinical testing. Allele origin: germline.
Comment: The MAP1B c.6449_6452del; p.Val2150AlafsTer85 variant, to our knowledge, is not reported in the medical literature or gene specific databases. This variant is absent from the Genome Aggregation Database (v2.1.1), indicating it is not a common polymorphism. This variant causes a frameshift by deleting four nucleotides, so it is predicted to result in a truncated protein or mRNA subject to nonsense-mediated decay. Based on the available information, this variant is considered to be pathogenic.

NM_005909.5(MAP1B):c.6449_6452del (p.Val2150fs)

Gene: MAP1B (microtubule associated protein 1B; plus strand). Cytogenetic location: 5q13.2.
Variant type: Microsatellite.
Coding change: c.6449_6452del on transcript NM_005909.5 (MANE Select); coding-DNA positions 6449 to 6452, 4 bases deleted (TCAG; older notation c.6449_6452delTCAG).
Protein change: p.Val2150fs; shifts the reading frame from valine 2150.
Molecular consequence: frameshift variant.
Genome position (GRCh38, 1-based): chr5:72,199,804-72,199,807, TCAG deleted; deleting any 4 consecutive bases within chr5:72,199,800-72,199,807 gives the same sequence; the c. name uses the placement nearest the transcript's 3' end. VCF-style (leftmost placement, unchanged base first): chr5-72199799-CTCAG-C. GRCh37 (hg19) VCF-style: chr5-71495626-CTCAG-C.
Other names: c.6071_6074del, p.Val2024fs (NM_001324255.2); short protein forms V2024fs, V2150fs.
Identifiers: ClinVar variation 2921146 (VCV002921146.1), dbSNP rs2478587077, ClinGen allele CA2739274781.